The following is an entry in ClinVar:

NM_000274.4(OAT):c.899dup (p.Val301fs)

Gene: OAT (ornithine aminotransferase; minus strand). Cytogenetic location: 10q26.13.
Variant type: Duplication.
Coding change: c.899dup on transcript NM_000274.4 (MANE Select); coding-DNA position 899, one base duplicated (C; older notation c.899dupC).
Protein change: p.Val301fs; shifts the reading frame from valine 301.
Molecular consequence: frameshift variant.
Genome position (GRCh38, 1-based): chr10:124,402,928, G duplicated on the plus strand (C on the coding strand, the reverse complement: OAT is on the minus strand); the first of 3 consecutive G bases (chr10:124,402,928-124,402,930); duplicating any one gives the same sequence. VCF-style (leftmost placement, unchanged base first): chr10-124402927-A-AG. GRCh37 (hg19) VCF-style: chr10-126091496-A-AG.
Other names: c.485dup, p.Val163fs (NM_001171814.2); c.899dup, p.Val301fs (NM_001322965.2, NM_001322966.2, NM_001322967.2 and 3 more transcripts); c.578dup, p.Val194fs (NM_001322971.2); c.299dup, p.Val101fs (NM_001322974.2); short protein forms V101fs, V163fs, V194fs, V301fs.
Identifiers: ClinVar variation 5012975 (VCV005012975.1).
Genomic context (GRCh38, chr10:124,402,927, plus strand): 5'-TACTTTAGGGGTATATTTTACAAGAGTAGGAAATGGAAAGAGGGGGAACATGAAACTTAC[A>AG]GGGTATAAGCCCCCAGAAAGGGCCTTTCCAAGGAGGACTATATCAGGTCTGACATTTTCA-3'

ClinVar aggregate classification (germline): Pathogenic (1 of 4 stars; one submission).

Conditions:
Ornithine aminotransferase deficiency (GACR). Also called: HYPERORNITHINEMIA WITH GYRATE ATROPHY OF CHOROID AND RETINA; OAT DEFICIENCY; OKT DEFICIENCY; Ornithine ketoacid aminotransferase deficiency; Gyrate atrophy; Gyrate atrophy of choroid and retina. Identifiers: Orphanet 414, MedGen C0018425, MONDO:0009796, OMIM 258870.

Submission:

Myriad Genetics, Inc.
Classification: Pathogenic for Ornithine aminotransferase deficiency. Last evaluated: 2024-05-01. Review status: criteria provided, single submitter. Criteria: Myriad Autosomal Dominant, Autosomal Recessive and X-Linked Classification Criteria (2023). Collection method: clinical testing. Allele origin: unknown.
Comment: NM_000274.3(OAT):c.899dupC(V301Cfs*7) is expected to be pathogenic in the context of ornithine aminotransferase deficiency. This variant is predicted to lead to an abnormal or absent protein product due to the creation of a premature termination codon in OAT, a gene where loss-of-function variants are known to be pathogenic. Please note: this variant was assessed in the context of healthy population screening.